The following is an entry in ClinVar:

ClinVar aggregate classification (germline): Pathogenic (1 of 4 stars; one submission).

Conditions:
Monogenic hearing loss.

Submission:

Genetics Laboratory, Great Ormond Street Hospital NHS Foundation Trust, North Thames Genomic Laboratory Hub
Classification: Pathogenic for Monogenic hearing loss. Last evaluated: 2025-09-16. Review status: criteria provided, single submitter. Criteria: ACGS Best Practice Guidelines for Variant Classification in Rare Disease 2024 v1.2. Collection method: clinical testing. Allele origin: germline. Affected: yes.
Comment: PM2_moderate, PVS1_very-strong

NC_000008.11:g.71269820CT[4]

Gene: EYA1 (EYA transcriptional coactivator and phosphatase 1; minus strand). Cytogenetic location: 8q13.3.
Variant type: Microsatellite.
Genome position: GRCh38 VCF-style: chr8-71269819-A-ACT. GRCh37 (hg19) VCF-style: chr8-72182054-A-ACT.
Identifiers: ClinVar variation 4528896 (VCV004528896.1).